The following is an entry in ClinVar:

ClinVar aggregate classification (germline): Uncertain significance. Review status: criteria provided, single submitter (1 of 4 stars). 2 submissions from 2 submitters: Uncertain significance (1). 1 of the submissions does not count toward it. Last evaluated 2022-07-16.

Conditions:
Zellweger spectrum disorders (ZS). Also called: Zellweger Spectrum Disorder; Zellweger Spectrum; Zellweger Spectrum Disorder (ZSD); Zellweger syndrome. Identifiers: Orphanet 912, MedGen C0043459, MONDO:0019609.

Allele frequency attached by ClinVar (database versions not stated): TOPMed below 0.00001; ExAC 0.00001; gnomAD exomes 0.00001; gnomAD 0.00002; ESP Exome Variant Server 0.00008; 1000 Genomes Project 30x 0.00016; 1000 Genomes Project 0.00020.
gnomAD v4.1: 18 of 1,613,910 alleles (0.0011%); highest among the groups gnomAD compares: South Asian, 0.013%; no homozygotes.

Submissions (2):

Labcorp Genetics (formerly Invitae), Labcorp
Classification: Uncertain significance for Zellweger spectrum disorders. Last evaluated: 2022-07-16. Review status: criteria provided, single submitter. Criteria: Invitae Variant Classification Sherloc (09022015). Collection method: clinical testing. Allele origin: germline.
Comment: This sequence change replaces arginine, which is basic and polar, with histidine, which is basic and polar, at codon 819 of the PEX1 protein (p.Arg819His). This variant is present in population databases (rs376273608, gnomAD 0.006%). This variant has not been reported in the literature in individuals affected with PEX1-related conditions. ClinVar contains an entry for this variant (Variation ID: 1044955). Advanced modeling of protein sequence and biophysical properties (such as structural, functional, and spatial information, amino acid conservation, physicochemical variation, residue mobility, and thermodynamic stability) performed at Invitae indicates that this missense variant is not expected to disrupt PEX1 protein function. In summary, the available evidence is currently insufficient to determine the role of this variant in disease. Therefore, it has been classified as a Variant of Uncertain Significance.

Natera, Inc.
Classification: Uncertain significance for Zellweger syndrome. Last evaluated: 2018-10-06. Review status: no assertion criteria provided. Collection method: clinical testing. Allele origin: germline. Not counted in ClinVar's aggregate classification.

NM_000466.3(PEX1):c.2456G>A (p.Arg819His)

Gene: PEX1 (peroxisomal biogenesis factor 1; minus strand). Cytogenetic location: 7q21.2.
Variant type: single nucleotide variant.
Coding change: c.2456G>A on transcript NM_000466.3 (MANE Select); coding-DNA position 2456, G replaced by A.
Protein change: p.Arg819His; replaces arginine 819 with histidine.
Molecular consequence: missense variant.
Genome position (GRCh38, 1-based): chr7:92,501,634, C>T on the plus strand (G>A on the coding strand, the complement: PEX1 is on the minus strand). VCF-style: chr7-92501634-C-T. GRCh37 (hg19) VCF-style: chr7-92130948-C-T.
Other names: c.2285G>A, p.Arg762His (NM_001282677.2); c.1832G>A, p.Arg611His (NM_001282678.2); short protein forms R762H, R819H, R611H.
Identifiers: ClinVar variation 1044955 (VCV001044955.6), dbSNP rs376273608, ClinGen allele CA4341119.